The following is an entry in ClinVar:

NM_032043.3(BRIP1):c.2329dup (p.Arg777fs)

Gene: BRIP1 (BRCA1 interacting DNA helicase 1; minus strand). Cytogenetic location: 17q23.2.
Variant type: Duplication.
Coding change: c.2329dup on transcript NM_032043.3 (MANE Select); coding-DNA position 2329, one base duplicated (C; older notation c.2329dupC).
Protein change: p.Arg777fs; shifts the reading frame from arginine 777.
Molecular consequence: frameshift variant.
Genome position (GRCh38, 1-based): chr17:61,743,063, G duplicated on the plus strand (C on the coding strand, the reverse complement: BRIP1 is on the minus strand); the first of 3 consecutive G bases (chr17:61,743,063-61,743,065); duplicating any one gives the same sequence. VCF-style (leftmost placement, unchanged base first): chr17-61743062-C-CG. GRCh37 (hg19) VCF-style: chr17-59820423-C-CG.
Other names: short protein forms R777fs.
Identifiers: ClinVar variation 2941783 (VCV002941783.3), dbSNP rs2144677021, ClinGen allele CA2740093847.

ClinVar aggregate classification (germline): Pathogenic (1 of 4 stars; one submission).

Conditions:
Fanconi anemia complementation group J. Also called: BRIP1-Related Fanconi Anemia. Identifiers: Orphanet 84, MedGen C1836860, MONDO:0012187, OMIM 609054.
Familial cancer of breast. Also called: BREAST CANCER, FAMILIAL; Hereditary breast cancer; hereditary breast carcinoma. Identifiers: Orphanet 227535, MedGen C0346153, MONDO:0016419, OMIM 114480. Disease mechanism: loss of function.

Submission:

Labcorp Genetics (formerly Invitae), Labcorp
Classification: Pathogenic for Familial cancer of breast; Fanconi anemia complementation group J. Last evaluated: 2023-02-16. Review status: criteria provided, single submitter. Criteria: Invitae Variant Classification Sherloc (09022015). Collection method: clinical testing. Allele origin: germline.
Comment: For these reasons, this variant has been classified as Pathogenic. This variant has not been reported in the literature in individuals affected with BRIP1-related conditions. This variant is not present in population databases (gnomAD no frequency). This sequence change creates a premature translational stop signal (p.Arg777Profs*19) in the BRIP1 gene. It is expected to result in an absent or disrupted protein product. Loss-of-function variants in BRIP1 are known to be pathogenic (PMID: 16116423, 17033622, 21964575).

Literature cited by the submitters: PubMed 16116423; PubMed 17033622; PubMed 21964575.